The following is an entry in ClinVar:

NM_032539.5(SLITRK2):c.55A>G (p.Thr19Ala)

Gene: SLITRK2 (SLIT and NTRK like family member 2; plus strand). Cytogenetic location: Xq27.3.
Variant type: single nucleotide variant.
Coding change: c.55A>G on transcript NM_032539.5 (MANE Select); coding-DNA position 55, A replaced by G.
Protein change: p.Thr19Ala; replaces threonine 19 with alanine.
Molecular consequence: missense variant.
Genome position (GRCh38, 1-based): chrX:145,822,480, A>G. VCF-style: chrX-145822480-A-G. GRCh37 (hg19) VCF-style: chrX-144903998-A-G.
Other names: c.55A>G, p.Thr19Ala (NM_001144003.3, NM_001144004.3, NM_001144005.3 and 4 more transcripts); short protein forms T19A.
Identifiers: ClinVar variation 3251312 (VCV003251312.1), dbSNP rs1371526689.

ClinVar aggregate classification (germline): Uncertain significance (1 of 4 stars; one submission).

Allele frequency attached by ClinVar (database versions not stated): gnomAD 0.00002; TOPMed 0.00002.

Submission:

Women's Health and Genetics/Laboratory Corporation of America, LabCorp
Classification: Uncertain significance. Last evaluated: 2024-04-12. Review status: criteria provided, single submitter. Criteria: LabCorp Variant Classification Summary - May 2015. Collection method: clinical testing. Allele origin: germline.
Comment: Variant summary: SLITRK2 c.55A>G (p.Thr19Ala) results in a non-conservative amino acid change in the encoded protein sequence. Three of five in-silico tools predict a benign effect of the variant on protein function. The variant allele was found at a frequency of 5.5e-05 in 182962 control chromosomes (gnomAD). To our knowledge, no occurrence of c.55A>G in individuals affected with Intellectual Developmental Disorder, X-Linked 111 and no experimental evidence demonstrating its impact on protein function have been reported. No submitters have cited clinical-significance assessments for this variant to ClinVar. Based on the evidence outlined above, the variant was classified as uncertain significance.